The following is an entry in ClinVar:

ClinVar aggregate classification (germline): Uncertain significance (1 of 4 stars; one submission).

Conditions:
Dystonia 16 (DYT16). Also called: DYT-PRKRA. Identifiers: Orphanet 210571, MedGen C2677567, MONDO:0012789, OMIM 612067.

Submission:

Labcorp Genetics (formerly Invitae), Labcorp
Classification: Uncertain significance for Dystonia 16. Last evaluated: 2020-08-04. Review status: criteria provided, single submitter. Criteria: Invitae Variant Classification Sherloc (09022015). Collection method: clinical testing. Allele origin: germline.
Comment: In summary, the available evidence is currently insufficient to determine the role of this variant in disease. Therefore, it has been classified as a Variant of Uncertain Significance. This variant has not been reported in the literature in individuals with PRKRA-related conditions. This variant is not present in population databases (ExAC no frequency). This sequence change affects the initiator methionine of the PRKRA mRNA. The next in-frame methionine is located at codon 26.

NM_003690.5(PRKRA):c.1A>G (p.Met1Val)

Gene: PRKRA (protein activator of interferon induced protein kinase EIF2AK2; minus strand). Cytogenetic location: 2q31.2.
Variant type: single nucleotide variant.
Coding change: c.1A>G on transcript NM_003690.5 (MANE Select); coding-DNA position 1, A replaced by G.
Protein change: p.Met1Val; changes the start codon (methionine 1).
Molecular consequence: missense variant, initiator codon variant. On other transcripts: 5 prime UTR variant (1).
Genome position (GRCh38, 1-based): chr2:178,451,030, T>C on the plus strand (A>G on the coding strand, the complement: PRKRA is on the minus strand). VCF-style: chr2-178451030-T-C. GRCh37 (hg19) VCF-style: chr2-179315757-T-C.
Other names: c.-449A>G (NM_001316362.2); short protein forms M1V.
Identifiers: ClinVar variation 1008812 (VCV001008812.9), dbSNP rs9406386, ClinGen allele CA349396791.